The following is an entry in ClinVar:

ClinVar aggregate classification (germline): Likely benign (0 of 4 stars; one submission).

Conditions:
CEP76-related disorder. Also called: CEP76-related condition.

Allele frequency attached by ClinVar (database versions not stated): TOPMed 0.00010; 1000 Genomes Project 30x 0.00016; gnomAD exomes 0.00006; gnomAD 0.00007; 1000 Genomes Project 0.00020; ExAC 0.00012.
gnomAD v4.1: 120 of 1,609,666 alleles (0.0075%); highest among the groups gnomAD compares: Middle Eastern, 0.083%; 1 homozygote.

Submission:

PreventionGenetics, part of Exact Sciences
Classification: Likely benign for CEP76-related condition. Last evaluated: 2019-03-12. Review status: no assertion criteria provided. Collection method: clinical testing. Allele origin: germline.
Comment: This variant is classified as likely benign based on ACMG/AMP sequence variant interpretation guidelines (Richards et al. 2015 PMID: 25741868, with internal and published modifications).

NM_024899.4(CEP76):c.948A>T (p.Ile316=)

Genes: CEP76 (centrosomal protein 76; minus strand), PSMG2 (proteasome assembly chaperone 2; plus strand). Cytogenetic location: 18p11.21.
Variant type: single nucleotide variant.
Coding change: c.948A>T on transcript NM_024899.4 (MANE Select); coding-DNA position 948, A replaced by T.
Protein change: p.Ile316=; no amino-acid change (isoleucine 316 retained).
Molecular consequence: synonymous variant. On other transcripts: non-coding transcript variant (1), intron variant (1).
Genome position (GRCh38, 1-based): chr18:12,686,436, T>A on the plus strand (A>T on the coding strand, the complement: CEP76 is on the minus strand). VCF-style: chr18-12686436-T-A. GRCh37 (hg19) VCF-style: chr18-12686435-T-A.
Other names: c.723A>T, p.Ile241= (NM_001271989.2); c.-36-20114T>A (NM_147163.2).
Identifiers: ClinVar variation 3052591 (VCV003052591.2), dbSNP rs191879338, ClinGen allele CA8897920.